The following is an entry in ClinVar:

ClinVar aggregate classification (germline): Uncertain significance (1 of 4 stars; one submission).

Conditions:
Inborn genetic diseases. Identifiers: MedGen C0950123, MeSH D030342.

Submission:

Ambry Genetics
Classification: Uncertain significance for Inborn genetic diseases. Last evaluated: 2025-04-06. Review status: criteria provided, single submitter. Criteria: Ambry Variant Classification Scheme 2023. Collection method: clinical testing. Allele origin: germline.
Comment: The p.L931P variant (also known as c.2792T>C), located in coding exon 28 of the RTEL1 gene, results from a T to C substitution at nucleotide position 2792. The leucine at codon 931 is replaced by proline, an amino acid with similar properties. This amino acid position is conserved. In addition, the in silico prediction for this alteration is inconclusive. Based on the available evidence, the clinical significance of this variant remains unclear.

NM_001283009.2(RTEL1):c.2792T>C (p.Leu931Pro)

Genes: RTEL1 (regulator of telomere elongation helicase 1; plus strand), RTEL1-TNFRSF6B (RTEL1-TNFRSF6B readthrough (NMD candidate); plus strand). Cytogenetic location: 20q13.33.
Variant type: single nucleotide variant.
Coding change: c.2792T>C on transcript NM_001283009.2 (MANE Select); coding-DNA position 2792, T replaced by C.
Protein change: p.Leu931Pro; replaces leucine 931 with proline.
Molecular consequence: missense variant. On other transcripts: non-coding transcript variant (1).
Genome position (GRCh38, 1-based): chr20:63,692,944, T>C. VCF-style: chr20-63692944-T-C. GRCh37 (hg19) VCF-style: chr20-62324297-T-C.
Other names: c.2123T>C, p.Leu708Pro (NM_001283010.1); c.2792T>C, p.Leu931Pro (NM_016434.4); c.2864T>C, p.Leu955Pro (NM_032957.5); short protein forms L708P, L931P, L955P.
Identifiers: ClinVar variation 3948306 (VCV003948306.1).